The following is an entry in ClinVar:

NM_001277115.2(DNAH11):c.11117G>A (p.Arg3706Lys)

Gene: DNAH11 (dynein axonemal heavy chain 11; plus strand). Cytogenetic location: 7p15.3.
Variant type: single nucleotide variant.
Coding change: c.11117G>A on transcript NM_001277115.2 (MANE Select); coding-DNA position 11117, G replaced by A.
Protein change: p.Arg3706Lys; replaces arginine 3706 with lysine.
Molecular consequence: missense variant.
Genome position (GRCh38, 1-based): chr7:21,854,370, G>A. VCF-style: chr7-21854370-G-A. GRCh37 (hg19) VCF-style: chr7-21893988-G-A.
Other names: short protein forms R3706K.
Identifiers: ClinVar variation 580090 (VCV000580090.9), dbSNP rs1562585559, ClinGen allele CA366959939.

ClinVar aggregate classification (germline): Uncertain significance (1 of 4 stars; one submission).

Conditions:
Primary ciliary dyskinesia. Also called: Ciliary dyskinesia. Identifiers: Orphanet 244, MedGen C0008780, MONDO:0016575, HP:0012265.

Submission:

Labcorp Genetics (formerly Invitae), Labcorp
Classification: Uncertain significance for Primary ciliary dyskinesia. Last evaluated: 2018-01-03. Review status: criteria provided, single submitter. Criteria: Invitae Variant Classification Sherloc (09022015). Collection method: clinical testing. Allele origin: germline.
Comment: This sequence change replaces arginine with lysine at codon 3706 of the DNAH11 protein (p.Arg3706Lys). The arginine residue is highly conserved and there is a small physicochemical difference between arginine and lysine. In summary, the available evidence is currently insufficient to determine the role of this variant in disease. Therefore, it has been classified as a Variant of Uncertain Significance. Algorithms developed to predict the effect of missense changes on protein structure and function do not agree on the potential impact of this missense change (SIFT: "Tolerated"; PolyPhen-2: "Probably Damaging"; Align-GVGD: "Class C0"). This variant has not been reported in the literature in individuals with DNAH11-related disease. This variant is not present in population databases (ExAC no frequency).